The following is an entry in ClinVar:

ClinVar aggregate classification (germline): Likely pathogenic (1 of 4 stars; one submission).

Submission:

Mayo Clinic Laboratories, Mayo Clinic
Classification: Likely pathogenic. Last evaluated: 2020-12-21. Review status: criteria provided, single submitter. Criteria: ACMG Guidelines, 2015. Collection method: clinical testing. Allele origin: germline. Observed: 1 variant allele.
Comment: PVS1, PM2

NM_000037.4(ANK1):c.911_912del (p.Asn304fs)

Gene: ANK1 (ankyrin 1; minus strand). Cytogenetic location: 8p11.21.
Variant type: Deletion.
Coding change: c.911_912del on transcript NM_000037.4 (MANE Select); coding-DNA positions 911 to 912, 2 bases deleted (AC; older notation c.911_912delAC).
Protein change: p.Asn304fs; shifts the reading frame from asparagine 304.
Molecular consequence: frameshift variant.
Genome position (GRCh38, 1-based): chr8:41,719,856-41,719,857, GT deleted on the plus strand (AC on the coding strand, the reverse complement: ANK1 is on the minus strand). VCF-style (leftmost placement, unchanged base first): chr8-41719855-CGT-C. GRCh37 (hg19) VCF-style: chr8-41577373-CGT-C.
Other names: c.1010_1011del, p.Asn337fs (NM_001142446.2); c.911_912del, p.Asn304fs (NM_020475.3, NM_020476.3, NM_020477.3); short protein forms N304fs, N337fs.
Identifiers: ClinVar variation 1163301 (VCV001163301.5), dbSNP rs2150644706, ClinGen allele CA2499219312.